The following is an entry in ClinVar:

ClinVar aggregate classification (germline): Benign/Likely benign. Review status: criteria provided, multiple submitters, no conflicts (2 of 4 stars). 5 submissions from 5 submitters: Benign (1); Likely benign (2). 2 of the submissions do not count toward it. Last evaluated 2026-01-13.

Conditions:
Nephronophthisis 14 (NPHP14). Identifiers: Orphanet 2318, MedGen C3539071, MONDO:0013916, OMIM 614844.

Allele frequency attached by ClinVar (database versions not stated): gnomAD exomes 0.00040 and 0.00069; gnomAD 0.00005 and 0.00023; TOPMed 0.00006; ExAC 0.00077; 1000 Genomes Project 30x 0.00109; 1000 Genomes Project 0.00140.
gnomAD v4.1: 617 of 1,614,136 alleles (0.038%); highest among the groups gnomAD compares: South Asian, 0.54%; 6 homozygotes.

Submissions (5):

Labcorp Genetics (formerly Invitae), Labcorp
Classification: Benign for Nephronophthisis 14. Last evaluated: 2026-01-13. Review status: criteria provided, single submitter. Criteria: Invitae Variant Classification Sherloc (09022015). Collection method: clinical testing. Allele origin: germline.

CeGaT Center for Human Genetics Tuebingen
Classification: Likely benign. Last evaluated: 2025-07-01. Review status: criteria provided, single submitter. Criteria: CeGaT Center For Human Genetics Tuebingen Variant Classification Criteria Version 2. Collection method: clinical testing. Allele origin: germline. Affected: yes. Observed: 3 variant alleles.
Comment: ZNF423: BP4, BP7

Blueprint Genetics
Classification: Likely benign. Last evaluated: 2024-11-20. Review status: criteria provided, single submitter. Criteria: ACMG Guidelines, 2015. Collection method: clinical testing. Allele origin: germline.

Clinical Genetics DNA and cytogenetics Diagnostics Lab, Erasmus MC, Erasmus Medical Center
Classification: Likely benign. Review status: no assertion criteria provided. Collection method: clinical testing. Allele origin: germline. Affected: yes. Study: VKGL Data-share Consensus. Not counted in ClinVar's aggregate classification.

Clinical Genetics, Academic Medical Center
Classification: Benign. Review status: no assertion criteria provided. Collection method: clinical testing. Allele origin: germline. Affected: yes. Study: VKGL Data-share Consensus. Not counted in ClinVar's aggregate classification.

NM_001379286.1(ZNF423):c.1365G>C (p.Leu455=)

Gene: ZNF423 (zinc finger protein 423; minus strand). Cytogenetic location: 16q12.1.
Variant type: single nucleotide variant.
Coding change: c.1365G>C on transcript NM_001379286.1 (MANE Select); coding-DNA position 1365, G replaced by C.
Protein change: p.Leu455=; no amino-acid change (leucine 455 retained).
Molecular consequence: synonymous variant.
Genome position (GRCh38, 1-based): chr16:49,637,811, C>G on the plus strand (G>C on the coding strand, the complement: ZNF423 is on the minus strand). VCF-style: chr16-49637811-C-G. GRCh37 (hg19) VCF-style: chr16-49671722-C-G.
Other names: c.1161G>C, p.Leu387= (NM_001271620.2); c.990G>C, p.Leu330= (NM_001330533.2); c.1341G>C, p.Leu447= (NM_015069.5).
Identifiers: ClinVar variation 1168545 (VCV001168545.30), dbSNP rs548578929, ClinGen allele CA8046697.